The following is an entry in ClinVar:

NM_004320.6(ATP2A1):c.1809G>A (p.Pro603=)

Gene: ATP2A1 (ATPase sarcoplasmic/endoplasmic reticulum Ca2+ transporting 1; plus strand). Cytogenetic location: 16p11.2.
Variant type: single nucleotide variant.
Coding change: c.1809G>A on transcript NM_004320.6 (MANE Select); coding-DNA position 1809, G replaced by A.
Protein change: p.Pro603=; no amino-acid change (proline 603 retained).
Molecular consequence: synonymous variant.
Genome position (GRCh38, 1-based): chr16:28,900,625, G>A. VCF-style: chr16-28900625-G-A. GRCh37 (hg19) VCF-style: chr16-28911946-G-A.
Other names: p.Pro603=; c.1434G>A, p.Pro478= (NM_001286075.2); c.1809G>A, p.Pro603= (NM_173201.5); c.1809G>A (NM_173201.4).
Identifiers: ClinVar variation 318779 (VCV000318779.47), dbSNP rs151309999, ClinGen allele CA7987091.

ClinVar aggregate classification (germline): Benign. Review status: criteria provided, multiple submitters, no conflicts (2 of 4 stars). 6 submissions from 6 submitters: Benign (6). Last evaluated 2026-04-01.

Conditions:
Brody myopathy. Also called: BRODY DISEASE. Identifiers: Orphanet 53347, MedGen C1832918, MONDO:0010977, OMIM 601003.

Allele frequency attached by ClinVar (database versions not stated): 1000 Genomes Project 0.00200; 1000 Genomes Project 30x 0.00203; ESP Exome Variant Server 0.00562; TOPMed 0.00579; gnomAD 0.00771 and 0.00800; gnomAD exomes 0.00880 and 0.01063; ExAC 0.01030.
gnomAD v4.1: 16,321 of 1,593,278 alleles (1%); highest among the groups gnomAD compares: Non-Finnish European, 1.2%; 119 homozygotes.

Submissions (6):

CeGaT Center for Human Genetics Tuebingen
Classification: Benign. Last evaluated: 2026-04-01. Review status: criteria provided, single submitter. Criteria: CeGaT Center For Human Genetics Tuebingen Variant Classification Criteria Version 2. Collection method: clinical testing. Allele origin: germline. Affected: yes. Observed: 8 variant alleles.
Comment: ATP2A1: BP4, BP7, BS1, BS2

Labcorp Genetics (formerly Invitae), Labcorp
Classification: Benign for Brody myopathy. Last evaluated: 2026-02-04. Review status: criteria provided, single submitter. Criteria: Invitae Variant Classification Sherloc (09022015). Collection method: clinical testing. Allele origin: germline.

Mayo Clinic Laboratories, Mayo Clinic
Classification: Benign. Last evaluated: 2023-05-09. Review status: criteria provided, single submitter. Criteria: ACMG Guidelines, 2015. Collection method: clinical testing. Allele origin: germline. Observed: 7 variant alleles.
Comment: BS1, BS2, BP4, BP7

Illumina Laboratory Services, Illumina
Classification: Benign for Brody myopathy. Last evaluated: 2018-01-13. Review status: criteria provided, single submitter. Criteria: ICSL Variant Classification Criteria 13 December 2019. Collection method: clinical testing. Allele origin: germline.
Comment: This variant was observed in the ICSL laboratory as part of a predisposition screen in an ostensibly healthy population. It had not been previously curated by ICSL or reported in the Human Gene Mutation Database (HGMD: prior to June 1st, 2018), and was therefore a candidate for classification through an automated scoring system. Utilizing variant allele frequency, disease prevalence and penetrance estimates, and inheritance mode, an automated score was calculated to assess if this variant is too frequent to cause the disease. Based on the score and internal cut-off values, a variant classified as benign is not then subjected to further curation. The score for this variant resulted in a classification of benign for this disease.

GeneDx
Classification: Benign. Last evaluated: 2016-05-20. Review status: criteria provided, single submitter. Criteria: GeneDx Variant Classification (06012015). Collection method: clinical testing. Allele origin: germline. Affected: yes.
Comment: This variant is considered likely benign or benign based on one or more of the following criteria: it is a conservative change, it occurs at a poorly conserved position in the protein, it is predicted to be benign by multiple in silico algorithms, and/or has population frequency not consistent with disease.

Breakthrough Genomics
Classification: Benign. Review status: criteria provided, single submitter. Criteria: ACMG Guidelines, 2015. Collection method: not provided. Allele origin: germline. Inheritance: Autosomal recessive inheritance. Affected: yes.